The following is an entry in ClinVar:

ClinVar aggregate classification (germline): Benign (1 of 4 stars; one submission).

Conditions:
MELAS syndrome (MELAS). Also called: Juvenile myopathy, encephalopathy, lactic acidosis, stroke. Identifiers: Orphanet 550, MedGen C0162671, MONDO:0010789, OMIM 540000.

Submission:

Wong Mito Lab, Molecular and Human Genetics, Baylor College of Medicine
Classification: Benign for MELAS syndrome. Last evaluated: 2019-07-12. Review status: criteria provided, single submitter. Criteria: Modified ACMG Guidelines (Unpublished). Collection method: clinical testing. Allele origin: germline.
Comment: The NC_012920.1:m.12310dupA variant in MT-TL2 gene is interpreted to be a Benign variant based on the modified ACMG guidelines (unpublished). This variant meets the following evidence codes reported in the guidelines: BS1, BS2

Literature cited by the submitters: PubMed 31965079.

NC_012920.1(MT-TL2):m.12310dup

Gene: MT-TL2 (mitochondrially encoded tRNA leucine 2 (CUN); plus strand).
Variant type: Duplication.
Genome position: chrM-12305-C-CA.
Identifiers: ClinVar variation 690194 (VCV000690194.1), dbSNP rs1603223659, ClinGen allele CA915952146.